The following is an entry in ClinVar:

ClinVar aggregate classification (germline): Uncertain significance (1 of 4 stars; one submission).

Conditions:
Inborn genetic diseases. Identifiers: MedGen C0950123, MeSH D030342.

Allele frequency attached by ClinVar (database versions not stated): gnomAD exomes 0.00001.
gnomAD v4.1: 11 of 1,612,902 alleles (0.00068%); highest among the groups gnomAD compares: Non-Finnish European, 0.00093%; no homozygotes.

Submission:

Ambry Genetics
Classification: Uncertain significance for Inborn genetic diseases. Last evaluated: 2022-09-24. Review status: criteria provided, single submitter. Criteria: Ambry Variant Classification Scheme 2023. Collection method: clinical testing. Allele origin: germline.
Comment: The p.L182S variant (also known as c.545T>C), located in coding exon 6 of the FIG4 gene, results from a T to C substitution at nucleotide position 545. The leucine at codon 182 is replaced by serine, an amino acid with dissimilar properties. This amino acid position is conserved. In addition, the in silico prediction for this alteration is inconclusive. Since supporting evidence is limited at this time, the clinical significance of this alteration remains unclear.

NM_014845.6(FIG4):c.545T>C (p.Leu182Ser)

Gene: FIG4 (FIG4 phosphoinositide 5-phosphatase; plus strand). Cytogenetic location: 6q21.
Variant type: single nucleotide variant.
Coding change: c.545T>C on transcript NM_014845.6 (MANE Select); coding-DNA position 545, T replaced by C.
Protein change: p.Leu182Ser; replaces leucine 182 with serine.
Molecular consequence: missense variant.
Genome position (GRCh38, 1-based): chr6:109,735,197, T>C. VCF-style: chr6-109735197-T-C. GRCh37 (hg19) VCF-style: chr6-110056400-T-C.
Other names: short protein forms L182S.
Identifiers: ClinVar variation 1747662 (VCV001747662.2), dbSNP rs2486121586, ClinGen allele CA365219280.